The following is an entry in ClinVar:

NM_014363.6(SACS):c.8264del (p.Ser2755fs)

Gene: SACS (sacsin molecular chaperone; minus strand). Cytogenetic location: 13q12.12.
Variant type: Deletion.
Coding change: c.8264del on transcript NM_014363.6 (MANE Select); coding-DNA position 8264, one base deleted (G; older notation c.8264delG).
Protein change: p.Ser2755fs; shifts the reading frame from serine 2755.
Molecular consequence: frameshift variant.
Genome position (GRCh38, 1-based): chr13:23,335,612, C deleted on the plus strand (G on the coding strand, the reverse complement: SACS is on the minus strand). VCF-style (leftmost placement, unchanged base first): chr13-23335611-AC-A. GRCh37 (hg19) VCF-style: chr13-23909750-AC-A.
Other names: c.7823del, p.Ser2608fs (NM_001278055.2); short protein forms S2755fs, S2608fs.
Identifiers: ClinVar variation 2118316 (VCV002118316.4), dbSNP rs2542220435, ClinGen allele CA2580086902.
Genomic context (GRCh38, chr13:23,335,611, plus strand): 5'-CAATCTGTCTCCATCTGTGATTTTGCCCTTTACTGAATACAGCACATTTAGAGCTCCAGT[AC>A]TCTTATCTATTTCACAAATAGAAATTTTTTCCATGTGATTAAGAAACATTAGAAGTTCTG-3'

ClinVar aggregate classification (germline): Pathogenic (1 of 4 stars; one submission).

Conditions:
Spastic paraplegia. Identifiers: MedGen C0037772, HP:0001258.

Submission:

Labcorp Genetics (formerly Invitae), Labcorp
Classification: Pathogenic for Spastic paraplegia. Last evaluated: 2022-03-27. Review status: criteria provided, single submitter. Criteria: Invitae Variant Classification Sherloc (09022015). Collection method: clinical testing. Allele origin: germline.
Comment: For these reasons, this variant has been classified as Pathogenic. This variant disrupts a region of the SACS protein in which other variant(s) (p.Tyr4538*) have been determined to be pathogenic (Invitae). This suggests that this is a clinically significant region of the protein, and that variants that disrupt it are likely to be disease-causing. This variant has not been reported in the literature in individuals affected with SACS-related conditions. This variant is not present in population databases (gnomAD no frequency). This sequence change creates a premature translational stop signal (p.Ser2755Ilefs*5) in the SACS gene. While this is not anticipated to result in nonsense mediated decay, it is expected to disrupt the last 1825 amino acid(s) of the SACS protein.